The following is an entry in ClinVar:

ClinVar aggregate classification (germline): Likely pathogenic. Review status: criteria provided, multiple submitters, no conflicts (2 of 4 stars). 2 submissions from 2 submitters: Likely pathogenic (2). Last evaluated 2025-02-04.

Conditions:
Deficiency of alpha-mannosidase (MANSA). Also called: LYSOSOMAL ALPHA-D-MANNOSIDASE DEFICIENCY; Mannosidosis, alpha-, types I and II; Alpha-Mannosidosis. Identifiers: Orphanet 61, MedGen C0024748, MONDO:0009561, OMIM 248500.

Submissions (2):

Natera, Inc.
Classification: Likely pathogenic for Alpha-mannosidosis. Last evaluated: 2025-02-04. Review status: criteria provided, single submitter. Criteria: Natera Variant Classification Schema (03/2026). Collection method: clinical testing. Allele origin: germline.
Comment: The c.437-2A>G variant in MAN2B1 is a canonical splice acceptor site variant predicted to affect pre-mRNA splicing, which may result in an abnormal transcript and altered protein product. This variant is expected to result in nonsense mediated decay, truncation, or a dysfunctional protein product. This variant is rare in the general population with a frequency below the threshold expected for the associated phenotype(s). Given the available evidence, this variant is classified as Likely Pathogenic.

Labcorp Genetics (formerly Invitae), Labcorp
Classification: Likely pathogenic for Deficiency of alpha-mannosidase. Last evaluated: 2024-01-31. Review status: criteria provided, single submitter. Criteria: Invitae Variant Classification Sherloc (09022015). Collection method: clinical testing. Allele origin: germline.
Comment: This sequence change affects an acceptor splice site in intron 3 of the MAN2B1 gene. It is expected to disrupt RNA splicing. Variants that disrupt the donor or acceptor splice site typically lead to a loss of protein function (PMID: 16199547), and loss-of-function variants in MAN2B1 are known to be pathogenic (PMID: 9915946, 22161967). This variant is not present in population databases (gnomAD no frequency). This variant has not been reported in the literature in individuals affected with MAN2B1-related conditions. Algorithms developed to predict the effect of sequence changes on RNA splicing suggest that this variant may disrupt the consensus splice site. In summary, the currently available evidence indicates that the variant is pathogenic, but additional data are needed to prove that conclusively. Therefore, this variant has been classified as Likely Pathogenic.

Literature cited by the submitters: PubMed 16199547 (cited by Labcorp Genetics (formerly Invitae), Labcorp); PubMed 9915946 (cited by Labcorp Genetics (formerly Invitae), Labcorp); PubMed 22161967 (cited by Labcorp Genetics (formerly Invitae), Labcorp).

NM_000528.4(MAN2B1):c.437-2A>G

Gene: MAN2B1 (mannosidase alpha class 2B member 1; minus strand). Cytogenetic location: 19p13.13.
Variant type: single nucleotide variant.
Coding change: c.437-2A>G on transcript NM_000528.4 (MANE Select); the canonical splice acceptor site of the intron before coding-DNA position 437, A replaced by G.
Molecular consequence: splice acceptor variant.
Genome position (GRCh38, 1-based): chr19:12,664,987, T>C on the plus strand (A>G on the coding strand, the complement: MAN2B1 is on the minus strand). VCF-style: chr19-12664987-T-C. GRCh37 (hg19) VCF-style: chr19-12775801-T-C.
Other names: c.437-2A>G (NM_000528.3, NM_001173498.2).
Identifiers: ClinVar variation 2714308 (VCV002714308.5), dbSNP rs2512515058, ClinGen allele CA404255605.